The following is an entry in ClinVar:

NM_012079.6(DGAT1):c.590C>T (p.Ala197Val)

Gene: DGAT1 (diacylglycerol O-acyltransferase 1; minus strand). Cytogenetic location: 8q24.3.
Variant type: single nucleotide variant.
Coding change: c.590C>T on transcript NM_012079.6 (MANE Select); coding-DNA position 590, C replaced by T.
Protein change: p.Ala197Val; replaces alanine 197 with valine.
Molecular consequence: missense variant.
Genome position (GRCh38, 1-based): chr8:144,318,347, G>A on the plus strand (C>T on the coding strand, the complement: DGAT1 is on the minus strand). VCF-style: chr8-144318347-G-A. GRCh37 (hg19) VCF-style: chr8-145542010-G-A.
Other names: short protein forms A197V.
Identifiers: ClinVar variation 1401786 (VCV001401786.5), dbSNP rs1221343847, ClinGen allele CA372612273.

ClinVar aggregate classification (germline): Uncertain significance (1 of 4 stars; one submission).

Allele frequency attached by ClinVar (database versions not stated): gnomAD exomes 0.00001; gnomAD 0.00002; TOPMed 0.00003.
gnomAD v4.1: 14 of 1,611,546 alleles (0.00087%); highest among the groups gnomAD compares: Admixed American, 0.0033%; no homozygotes.

Submission:

Labcorp Genetics (formerly Invitae), Labcorp
Classification: Uncertain significance. Last evaluated: 2021-08-28. Review status: criteria provided, single submitter. Criteria: Invitae Variant Classification Sherloc (09022015). Collection method: clinical testing. Allele origin: germline.
Comment: This sequence change replaces alanine with valine at codon 197 of the DGAT1 protein (p.Ala197Val). The alanine residue is moderately conserved and there is a small physicochemical difference between alanine and valine. This variant is not present in population databases (ExAC no frequency). This variant has not been reported in the literature in individuals affected with DGAT1-related conditions. Algorithms developed to predict the effect of missense changes on protein structure and function (SIFT, PolyPhen-2, Align-GVGD) all suggest that this variant is likely to be tolerated. In summary, the available evidence is currently insufficient to determine the role of this variant in disease. Therefore, it has been classified as a Variant of Uncertain Significance.